The following is an entry in ClinVar:

NM_000245.4(MET):c.3065_3067del (p.Arg1022del)

Gene: MET (MET proto-oncogene, receptor tyrosine kinase; plus strand). Cytogenetic location: 7q31.2.
Variant type: Deletion.
Coding change: c.3065_3067del on transcript NM_000245.4 (MANE Select); coding-DNA positions 3065 to 3067, 3 bases deleted (GAC; older notation c.3065_3067delGAC).
Protein change: p.Arg1022del; deletes arginine 1022.
Molecular consequence: inframe deletion.
Genome position (GRCh38, 1-based): chr7:116,774,917-116,774,919, GAC deleted; deleting any 3 consecutive bases within chr7:116,774,916-116,774,919 gives the same sequence; the c. name uses the placement nearest the transcript's 3' end. VCF-style (leftmost placement, unchanged base first): chr7-116774915-CCGA-C. GRCh37 (hg19) VCF-style: chr7-116414969-CCGA-C.
Other names: c.3119_3121del, p.Arg1040del (NM_001127500.3); c.1775_1777del, p.Arg592del (NM_001324402.2); short protein forms R592del, R1022del, R1040del.
Identifiers: ClinVar variation 1502309 (VCV001502309.8), dbSNP rs2117029920, ClinGen allele CA2573141524.

ClinVar aggregate classification (germline): Uncertain significance (1 of 4 stars; one submission).

Conditions:
Renal cell carcinoma. Identifiers: Orphanet 217071, MedGen C0007134, MeSH D002292, MONDO:0005086, HP:0005584.

Submission:

Labcorp Genetics (formerly Invitae), Labcorp
Classification: Uncertain significance for Renal cell carcinoma. Last evaluated: 2024-01-09. Review status: criteria provided, single submitter. Criteria: Invitae Variant Classification Sherloc (09022015). Collection method: clinical testing. Allele origin: germline.
Comment: This variant, c.3119_3121del, results in the deletion of 1 amino acid(s) of the MET protein (p.Arg1040del), but otherwise preserves the integrity of the reading frame. This variant is not present in population databases (gnomAD no frequency). This variant has not been reported in the literature in individuals affected with MET-related conditions. ClinVar contains an entry for this variant (Variation ID: 1502309). Experimental studies and prediction algorithms are not available or were not evaluated, and the functional significance of this variant is currently unknown. In summary, the available evidence is currently insufficient to determine the role of this variant in disease. Therefore, it has been classified as a Variant of Uncertain Significance.